The following is an entry in ClinVar:

ClinVar aggregate classification (germline): Uncertain significance (1 of 4 stars; one submission).

Allele frequency attached by ClinVar (database versions not stated): TOPMed below 0.00001.

Submission:

GeneDx
Classification: Uncertain significance. Last evaluated: 2022-03-22. Review status: criteria provided, single submitter. Criteria: GeneDx Variant Classification Process June 2021. Collection method: clinical testing. Allele origin: germline. Affected: yes.
Comment: Not observed at significant frequency in large population cohorts (gnomAD); In silico analysis supports that this missense variant does not alter protein structure/function; Has not been previously published as pathogenic or benign to our knowledge

NM_032217.5(ANKRD17):c.5591A>G (p.Lys1864Arg)

Gene: ANKRD17 (ankyrin repeat domain 17; minus strand). Cytogenetic location: 4q13.3.
Variant type: single nucleotide variant.
Coding change: c.5591A>G on transcript NM_032217.5 (MANE Select); coding-DNA position 5591, A replaced by G.
Protein change: p.Lys1864Arg; replaces lysine 1864 with arginine.
Molecular consequence: missense variant.
Genome position (GRCh38, 1-based): chr4:73,092,037, T>C on the plus strand (A>G on the coding strand, the complement: ANKRD17 is on the minus strand). VCF-style: chr4-73092037-T-C. GRCh37 (hg19) VCF-style: chr4-73957754-T-C.
Other names: c.5252A>G, p.Lys1751Arg (NM_001286771.3); c.5588A>G, p.Lys1863Arg (NM_015574.2); c.4838A>G, p.Lys1613Arg (NM_198889.3); short protein forms K1613R, K1751R, K1863R, K1864R.
Identifiers: ClinVar variation 1708813 (VCV001708813.2), dbSNP rs1722844359, ClinGen allele CA357217346.
Genomic context (GRCh38, chr4:73,092,037, plus strand): 5'-GCTAATGGAAGAGAAACTGGAAAACCAGGCCTCACATTATTCACTGGGTTCTTAATGGTT[T>C]TGTGAGTGGATGCAGAAGAAATTGCAGGCACAGTGAGTGCTGTGGCAGTTTGAGATGTTG-3'
Protein context (NP_115593.3, residues 1854-1874): VPAISSASTH[Lys1864Arg]TIKNPVNNVR